The following is an entry in ClinVar:

NM_000520.6(HEXA):c.621T>G (p.Asp207Glu)

Gene: HEXA (hexosaminidase subunit alpha; minus strand). Cytogenetic location: 15q23.
Variant type: single nucleotide variant.
Coding change: c.621T>G on transcript NM_000520.6 (MANE Select); coding-DNA position 621, T replaced by G.
Protein change: p.Asp207Glu; replaces aspartic acid 207 with glutamic acid.
Molecular consequence: missense variant. On other transcripts: non-coding transcript variant (1).
Genome position (GRCh38, 1-based): chr15:72,351,184, A>C on the plus strand (T>G on the coding strand, the complement: HEXA is on the minus strand). VCF-style: chr15-72351184-A-C. GRCh37 (hg19) VCF-style: chr15-72643525-A-C.
Other names: c.654T>G, p.Asp218Glu (NM_001318825.2); short protein forms D207E, D218E.
Identifiers: ClinVar variation 5004931 (VCV005004931.1).

ClinVar aggregate classification (germline): Uncertain significance (1 of 4 stars; one submission).

Conditions:
Tay-Sachs disease (TSD). Also called: HEXA DEFICIENCY; Hexosaminidase A Deficiency; GM2 gangliosidosis, type 1; Hexosaminidase alpha-subunit deficiency (variant B); Sphingolipidosis, Tay-Sachs; HEXA Disorders. Identifiers: Orphanet 845, MedGen C0039373, MONDO:0010100, OMIM 272800.

Submission:

Myriad Genetics, Inc.
Classification: Uncertain significance for Tay-Sachs disease. Last evaluated: 2026-04-24. Review status: criteria provided, single submitter. Criteria: Myriad Autosomal Dominant, Autosomal Recessive and X-Linked Classification Criteria (2023). Collection method: clinical testing. Allele origin: unknown.
Comment: NM_000520.4(HEXA):c.621T>G(D207E) is a missense variant classified as a variant of uncertain significance in the context of hexosaminidase A deficiency. D207E has been observed in a case with relevant disease (PMID: 20100466). Relevant functional assessments of this variant are not available in the literature. D207E has not been observed in referenced population frequency databases. In summary, there is insufficient evidence to classify NM_000520.4(HEXA):c.621T>G(D207E) as pathogenic or benign. Please note: this variant was assessed in the context of healthy population screening.

Literature cited by the submitters: PubMed 20100466.